The following is an entry in ClinVar:

NM_000179.3(MSH6):c.603G>A (p.Glu201=)

Gene: MSH6 (mutS homolog 6; plus strand). Cytogenetic location: 2p16.3.
Variant type: single nucleotide variant.
Coding change: c.603G>A on transcript NM_000179.3 (MANE Select); coding-DNA position 603, G replaced by A.
Protein change: p.Glu201=; no amino-acid change (glutamic acid 201 retained).
Molecular consequence: synonymous variant. On other transcripts: 5 prime UTR variant (1), intron variant (2).
Genome position (GRCh38, 1-based): chr2:47,796,039, G>A. VCF-style: chr2-47796039-G-A. GRCh37 (hg19) VCF-style: chr2-48023178-G-A.
Other names: c.-300G>A (NM_001281494.2); c.-279-2572G>A (NM_001281493.2); c.238-2572G>A (NM_001281492.2).
Identifiers: ClinVar variation 89541 (VCV000089541.36), dbSNP rs587779314, ClinGen allele CA015977.
Genomic context (GRCh38, chr2:47,796,039, plus strand): 5'-AGCCTTAAATAAAGACAAGATTAAGAGGCTTGAATTGGCAGTTTGTGATGAGCCCTCAGA[G>A]CCAGAAGAGGAAGAAGAGATGGAGGTGGGACACGGCAAGCATTCAGTTGTTATTTATGTT-3'
Protein context (NP_000170.1, residues 191-211): LELAVCDEPS[Glu201=]PEEEEEMEVG

ClinVar aggregate classification (germline): Benign/Likely benign. Review status: criteria provided, multiple submitters, no conflicts (2 of 4 stars). 8 submissions from 8 submitters: Benign (1); Likely benign (6). 1 of the submissions does not count toward it. Last evaluated 2026-01-27.

Conditions:
Hereditary nonpolyposis colorectal neoplasms. Identifiers: MedGen C0009405, MeSH D003123.
Hereditary cancer-predisposing syndrome. Also called: Hereditary Cancer Syndrome; Tumor predisposition; Neoplastic Syndromes, Hereditary; Hereditary neoplastic syndrome. Identifiers: Orphanet 140162, MedGen C0027672, MeSH D009386, MONDO:0015356.
Lynch syndrome. Identifiers: Orphanet 144, MedGen C4552100, MONDO:0005835. Disease mechanism: loss of function.
Lynch syndrome 5 (LYNCH5). Also called: Hereditary non-polyposis colorectal cancer, type 5; Colorectal cancer, hereditary nonpolyposis, type 5. Identifiers: Orphanet 144, MedGen C1833477, MONDO:0013710, OMIM 614350. Disease mechanism: loss of function.

Allele frequency attached by ClinVar (database versions not stated): gnomAD exomes below 0.00001; ExAC 0.00001.
gnomAD v4.1: 1 of 1,614,114 alleles (0.000062%); highest among the groups gnomAD compares: Non-Finnish European, 0.000085%; no homozygotes.

Submissions (8):

Labcorp Genetics (formerly Invitae), Labcorp
Classification: Likely benign for Hereditary nonpolyposis colorectal neoplasms. Last evaluated: 2026-01-27. Review status: criteria provided, single submitter. Criteria: Invitae Variant Classification Sherloc (09022015). Collection method: clinical testing. Allele origin: germline.

CeGaT Center for Human Genetics Tuebingen
Classification: Likely benign. Last evaluated: 2025-01-01. Review status: criteria provided, single submitter. Criteria: CeGaT Center For Human Genetics Tuebingen Variant Classification Criteria Version 2. Collection method: clinical testing. Allele origin: germline. Affected: yes. Observed: 1 variant allele.
Comment: MSH6: BP4, BP7

Myriad Genetics, Inc.
Classification: Benign for Lynch syndrome 5. Last evaluated: 2024-12-19. Review status: criteria provided, single submitter. Criteria: Myriad Autosomal Dominant, Autosomal Recessive and X-Linked Classification Criteria (2023). Collection method: clinical testing. Allele origin: unknown.
Comment: This variant is considered benign. This variant is a silent/synonymous amino acid change and it is not expected to impact splicing.

All of Us Research Program, National Institutes of Health
Classification: Likely benign for Lynch syndrome. Last evaluated: 2023-12-01. Review status: criteria provided, single submitter. Criteria: ACMG Guidelines, 2015. Collection method: clinical testing. Allele origin: germline. Inheritance: Autosomal dominant inheritance. Observed: 3 variant alleles, 3 heterozygotes.
Comment: This study involves interpretation of variants in research participants for the purpose of population health screening. Participant phenotype was not available at the time of variant classification. Additional details can be found in publication PMID: 35346344, PMCID: PMC8962531

Color Diagnostics, LLC DBA Color Health
Classification: Likely benign for Hereditary cancer-predisposing syndrome. Last evaluated: 2022-01-01. Review status: criteria provided, single submitter. Criteria: ACMG Guidelines, 2015. Collection method: clinical testing. Allele origin: germline.

GeneDx
Classification: Likely benign. Last evaluated: 2016-02-11. Review status: criteria provided, single submitter. Criteria: GeneDx Variant Classification (06012015). Collection method: clinical testing. Allele origin: germline. Affected: yes.
Comment: This variant is considered likely benign or benign based on one or more of the following criteria: it is a conservative change, it occurs at a poorly conserved position in the protein, it is predicted to be benign by multiple in silico algorithms, and/or has population frequency not consistent with disease.

Ambry Genetics
Classification: Likely benign for Hereditary cancer-predisposing syndrome. Last evaluated: 2015-02-03. Review status: criteria provided, single submitter. Criteria: Ambry Variant Classification Scheme 2023. Collection method: clinical testing. Allele origin: germline.

True Health Diagnostics
Classification: Likely benign for Hereditary cancer-predisposing syndrome. Last evaluated: 2017-11-14. Review status: no assertion criteria provided. Collection method: clinical testing. Allele origin: germline. Not counted in ClinVar's aggregate classification.